The following is an entry in ClinVar:

ClinVar aggregate classification (germline): Uncertain significance (1 of 4 stars; one submission).

Conditions:
BAP1-related tumor predisposition syndrome (TPDS1). Also called: Tumor susceptibility linked to germline BAP1 mutations; BAP1 tumor predisposition syndrome; COMMON Syndrome; TUMOR PREDISPOSITION SYNDROME 1. Identifiers: Orphanet 289539, MedGen C3280492, MONDO:0013692, OMIM 614327.

Submission:

Labcorp Genetics (formerly Invitae), Labcorp
Classification: Uncertain significance for BAP1-related tumor predisposition syndrome. Last evaluated: 2021-12-14. Review status: criteria provided, single submitter. Criteria: Invitae Variant Classification Sherloc (09022015). Collection method: clinical testing. Allele origin: germline.
Comment: This sequence change replaces alanine, which is neutral and non-polar, with serine, which is neutral and polar, at codon 514 of the BAP1 protein (p.Ala514Ser). This variant is not present in population databases (gnomAD no frequency). This variant has not been reported in the literature in individuals affected with BAP1-related conditions. Algorithms developed to predict the effect of missense changes on protein structure and function (SIFT, PolyPhen-2, Align-GVGD) all suggest that this variant is likely to be tolerated. In summary, the available evidence is currently insufficient to determine the role of this variant in disease. Therefore, it has been classified as a Variant of Uncertain Significance.

NM_004656.4(BAP1):c.1540G>T (p.Ala514Ser)

Gene: BAP1 (BRCA1 associated deubiquitinase 1; minus strand). Cytogenetic location: 3p21.1.
Variant type: single nucleotide variant.
Coding change: c.1540G>T on transcript NM_004656.4 (MANE Select); coding-DNA position 1540, G replaced by T.
Protein change: p.Ala514Ser; replaces alanine 514 with serine.
Molecular consequence: missense variant.
Genome position (GRCh38, 1-based): chr3:52,403,605, C>A on the plus strand (G>T on the coding strand, the complement: BAP1 is on the minus strand). VCF-style: chr3-52403605-C-A. GRCh37 (hg19) VCF-style: chr3-52437621-C-A.
Other names: c.1486G>T, p.Ala496Ser (NM_001410772.1); short protein forms A496S, A514S.
Identifiers: ClinVar variation 2042683 (VCV002042683.4), dbSNP rs2153226677, ClinGen allele CA353100768.